The following is an entry in ClinVar:

ClinVar aggregate classification (germline): Uncertain significance (1 of 4 stars; one submission).

Conditions:
Hypertrophic cardiomyopathy. Also called: HYPERTROPHIC MYOCARDIOPATHY. Identifiers: Orphanet 217569, MedGen C0007194, MeSH D002312, MONDO:0005045, HP:0001639.

Submission:

All of Us Research Program, National Institutes of Health
Classification: Uncertain significance for Hypertrophic cardiomyopathy. Last evaluated: 2023-05-04. Review status: criteria provided, single submitter. Criteria: ACMG Guidelines, 2015. Collection method: clinical testing. Allele origin: germline. Inheritance: Autosomal dominant inheritance. Observed: 1 variant allele, 1 heterozygote.
Comment: This variant inserts 29 nucleotides in exon 4 of the MYL3 gene, creating a frameshift and premature translation stop signal. This variant is expected to result in an absent or non-functional protein product. To our knowledge, this variant has not been reported in individuals affected with MYL3-related disorders in the literature. The role of MYL3 truncations and other loss-of-function variants in cardiovascular disorders is not yet fully understood. This variant has not been identified in the general population by the Genome Aggregation Database (gnomAD). The available evidence is insufficient to determine the role of this variant in disease conclusively. Therefore, this variant is classified as a Variant of Uncertain Significance.

This study involves interpretation of variants in research participants for the purpose of population health screening. Participant phenotype was not available at the time of variant classification. Additional details can be found in publication PMID: 35346344, PMCID: PMC8962531

NM_000258.3(MYL3):c.458_459insCCAGCAAACCATTACTGCATGTCACCACG (p.Arg154fs)

Gene: MYL3 (myosin light chain 3; minus strand). Cytogenetic location: 3p21.31.
Variant type: Insertion.
Coding change: c.458_459insCCAGCAAACCATTACTGCATGTCACCACG on transcript NM_000258.3 (MANE Select); coding-DNA positions 458 to 459, CCAGCAAACCATTACTGCATGTCACCACG inserted.
Protein change: p.Arg154fs; shifts the reading frame from arginine 154.
Molecular consequence: frameshift variant.
Genome position: GRCh38 VCF-style: chr3-46859497-A-ACGTGGTGACATGCAGTAATGGTTTGCTGG. GRCh37 (hg19) VCF-style: chr3-46900987-A-ACGTGGTGACATGCAGTAATGGTTTGCTGG.
Other names: c.458_459insCCAGCAAACCATTACTGCATGTCACCACG, p.Arg154fs (NM_001406937.1, NM_001406938.1, NM_001406939.1); c.284_285insCCAGCAAACCATTACTGCATGTCACCACG, p.Arg96fs (NM_001406940.1, NM_001406941.1); short protein forms R154fs, R96fs.
Identifiers: ClinVar variation 3070760 (VCV003070760.1), dbSNP rs2544964924, ClinGen allele CA2825001243.
Genomic context (GRCh38, chr3:46,859,497, plus strand): 5'-CTGGAAGGAGTTGGGGTAGGGGAGGAGGCTGCCCTCACCCAGCGTGGCCAGCACGTGGCG[A>ACGTGGTGACATGCAGTAATGGTTTGCTGG]AGCTCAGCACCCATGACAGTGCCATTGCCCTCCTTGTCGAAGACCCGCAGCCCCTCCACG-3'